The following is an entry in ClinVar:

NM_016151.4(TAOK2):c.3214C>G (p.Gln1072Glu)

Gene: TAOK2 (TAO kinase 2; plus strand). Cytogenetic location: 16p11.2.
Variant type: single nucleotide variant.
Coding change: c.3214C>G on transcript NM_016151.4 (MANE Select); coding-DNA position 3214, C replaced by G.
Protein change: p.Gln1072Glu; replaces glutamine 1072 with glutamic acid.
Molecular consequence: missense variant. On other transcripts: intron variant (1).
Genome position (GRCh38, 1-based): chr16:29,987,486, C>G. VCF-style: chr16-29987486-C-G. GRCh37 (hg19) VCF-style: chr16-29998807-C-G.
Other names: c.2875C>G, p.Gln959Glu (NM_001252043.2); c.2232+982C>G (NM_004783.4); c.3214C>G (NM_016151.2); short protein forms Q959E, Q1072E.
Identifiers: ClinVar variation 1432855 (VCV001432855.9), dbSNP rs533140450, ClinGen allele CA7998520.

ClinVar aggregate classification (germline): Uncertain significance. Review status: criteria provided, multiple submitters, no conflicts (2 of 4 stars). 2 submissions from 2 submitters: Uncertain significance (2). Last evaluated 2025-11-06.

Allele frequency attached by ClinVar (database versions not stated): gnomAD exomes 0.00001 and 0.00005; ExAC 0.00007; gnomAD 0.00009 and 0.00011; 1000 Genomes Project 0.00060; 1000 Genomes Project 30x 0.00078.
gnomAD v4.1: 26 of 1,594,460 alleles (0.0016%); highest among the groups gnomAD compares: African/African-American, 0.027%; no homozygotes.

Submissions (2):

Labcorp Genetics (formerly Invitae), Labcorp
Classification: Uncertain significance. Last evaluated: 2025-11-06. Review status: criteria provided, single submitter. Criteria: Invitae Variant Classification Sherloc (09022015). Collection method: clinical testing. Allele origin: germline.
Comment: This sequence change replaces glutamine, which is neutral and polar, with glutamic acid, which is acidic and polar, at codon 1072 of the TAOK2 protein (p.Gln1072Glu). This variant is present in population databases (rs533140450, gnomAD 0.04%), and has an allele count higher than expected for a pathogenic variant. This variant has not been reported in the literature in individuals affected with TAOK2-related conditions. ClinVar contains an entry for this variant (Variation ID: 1432855). An algorithm developed to predict the effect of missense changes on protein structure and function outputs the following: PolyPhen-2: "Possibly Damaging". The glutamic acid amino acid residue is found in multiple mammalian species, which suggests that this missense change does not adversely affect protein function. In summary, the available evidence is currently insufficient to determine the role of this variant in disease. Therefore, it has been classified as a Variant of Uncertain Significance.

Ambry Genetics
Classification: Uncertain significance. Last evaluated: 2025-08-04. Review status: criteria provided, single submitter. Criteria: Ambry Variant Classification Scheme 2023. Collection method: clinical testing. Allele origin: germline.